The following is an entry in ClinVar:

ClinVar aggregate classification (germline): Uncertain significance. Review status: criteria provided, multiple submitters, no conflicts (2 of 4 stars). 2 submissions from 2 submitters: Uncertain significance (2). Last evaluated 2026-04-03.

Conditions:
Pheochromocytoma. Also called: MAX-Related Hereditary Paraganglioma-Pheochromocytoma Syndrome. Identifiers: Orphanet 29072, MedGen C0031511, MONDO:0008233, OMIM 171300, HP:0002666.
Pheochromocytoma/paraganglioma syndrome 4. Also called: CAROTID BODY TUMORS AND MULTIPLE EXTRAADRENAL PHEOCHROMOCYTOMAS; PARAGANGLIOMA, FAMILIAL MALIGNANT; PARAGANGLIOMAS, HEREDITARY EXTRAADRENAL; PHEOCHROMOCYTOMA, FAMILIAL EXTRAADRENAL; Paragangliomas 4; SDHB-Related Hereditary Paraganglioma-Pheochromocytoma Syndrome (Paragangliomas 4). Identifiers: Orphanet 29072, MedGen C1861848, MONDO:0007273, OMIM 115310.
Gastrointestinal stromal tumor. Also called: Gastrointestinal stroma tumor; Gastrointestinal stromal tumor, somatic. Identifiers: Orphanet 44890, MedGen C0238198, MeSH D046152, MONDO:0011719, OMIM 606764, HP:0100723.
Hereditary cancer-predisposing syndrome. Also called: Tumor predisposition; Hereditary Cancer Syndrome; Hereditary neoplastic syndrome; Neoplastic Syndromes, Hereditary. Identifiers: Orphanet 140162, MedGen C0027672, MeSH D009386, MONDO:0015356.

Submissions (2):

Ambry Genetics
Classification: Uncertain significance for Hereditary cancer-predisposing syndrome. Last evaluated: 2026-04-03. Review status: criteria provided, single submitter. Criteria: Ambry Variant Classification Scheme 2023. Collection method: clinical testing. Allele origin: germline.
Comment: The p.P209S variant (also known as c.625C>T), located in coding exon 6 of the SDHB gene, results from a C to T substitution at nucleotide position 625. The proline at codon 209 is replaced by serine, an amino acid with similar properties. This amino acid position is highly conserved in available vertebrate species. In addition, this alteration is predicted to be deleterious by in silico analysis. Based on the available evidence, the clinical significance of this variant remains unclear.

Labcorp Genetics (formerly Invitae), Labcorp
Classification: Uncertain significance for Gastrointestinal stromal tumor; Pheochromocytoma/paraganglioma syndrome 4; Pheochromocytoma. Last evaluated: 2021-09-02. Review status: criteria provided, single submitter. Criteria: Invitae Variant Classification Sherloc (09022015). Collection method: clinical testing. Allele origin: germline.
Comment: This sequence change replaces proline with serine at codon 209 of the SDHB protein (p.Pro209Ser). The proline residue is highly conserved and there is a moderate physicochemical difference between proline and serine. This variant is not present in population databases (ExAC no frequency). This variant has not been reported in the literature in individuals affected with SDHB-related conditions. Advanced modeling of protein sequence and biophysical properties (such as structural, functional, and spatial information, amino acid conservation, physicochemical variation, residue mobility, and thermodynamic stability) performed at Invitae indicates that this missense variant is expected to disrupt SDHB protein function. In summary, the available evidence is currently insufficient to determine the role of this variant in disease. Therefore, it has been classified as a Variant of Uncertain Significance.

NM_003000.3(SDHB):c.625C>T (p.Pro209Ser)

Gene: SDHB (succinate dehydrogenase complex iron sulfur subunit B; minus strand). Cytogenetic location: 1p36.13.
Variant type: single nucleotide variant.
Coding change: c.625C>T on transcript NM_003000.3 (MANE Select); coding-DNA position 625, C replaced by T.
Protein change: p.Pro209Ser; replaces proline 209 with serine.
Molecular consequence: missense variant.
Genome position (GRCh38, 1-based): chr1:17,023,990, G>A on the plus strand (C>T on the coding strand, the complement: SDHB is on the minus strand). VCF-style: chr1-17023990-G-A. GRCh37 (hg19) VCF-style: chr1-17350485-G-A.
Other names: c.625C>T (NM_003000.2); short protein forms P209S.
Identifiers: ClinVar variation 1418171 (VCV001418171.17), dbSNP rs2101516279, ClinGen allele CA338270955.